The following is an entry in ClinVar:

ClinVar aggregate classification (germline): Pathogenic. Review status: criteria provided, single submitter (1 of 4 stars). 3 submissions from 3 submitters: Pathogenic (1). 2 of the submissions do not count toward it. Last evaluated 2022-06-27.

Conditions:
Primary ciliary dyskinesia. Also called: Ciliary dyskinesia. Identifiers: Orphanet 244, MedGen C0008780, MONDO:0016575, HP:0012265.
Primary ciliary dyskinesia 13. Also called: CILIARY DYSKINESIA, PRIMARY, 13, WITH OR WITHOUT SITUS INVERSUS. Identifiers: MedGen C2750790, MONDO:0013174, OMIM 613193, Orphanet 244.

Allele frequency attached by ClinVar (database versions not stated): TOPMed 0.00002; ExAC 0.00002; gnomAD exomes 0.00002.
gnomAD v4.1: 8 of 1,613,818 alleles (0.0005%); highest among the groups gnomAD compares: Admixed American, 0.0033%; no homozygotes.

Submissions (3):

Labcorp Genetics (formerly Invitae), Labcorp
Classification: Pathogenic for Primary ciliary dyskinesia. Last evaluated: 2022-06-27. Review status: criteria provided, single submitter. Criteria: Invitae Variant Classification Sherloc (09022015). Collection method: clinical testing. Allele origin: germline.
Comment: This premature translational stop signal has been observed in individual(s) with primary ciliary dyskinesia (PMID: 19944400). For these reasons, this variant has been classified as Pathogenic. ClinVar contains an entry for this variant (Variation ID: 264). This variant is present in population databases (rs267607225, gnomAD 0.006%). This sequence change creates a premature translational stop signal (p.Arg271*) in the DNAAF1 gene. It is expected to result in an absent or disrupted protein product. Loss-of-function variants in DNAAF1 are known to be pathogenic (PMID: 19944400, 19944405).

GeneReviews
Classification: Pathogenic for Primary Ciliary Dyskinesia. Last evaluated: 2011-09-15. Review status: no assertion criteria provided. Collection method: curation. Allele origin: unknown. Not counted in ClinVar's aggregate classification.
ClinVar note: Converted during submission from pathologic to Pathogenic.

OMIM
Classification: Pathogenic for CILIARY DYSKINESIA, PRIMARY, 13. Last evaluated: 2009-12-01. Review status: no assertion criteria provided. Collection method: literature only. Allele origin: germline. Not counted in ClinVar's aggregate classification.

Literature cited by the submitters: PubMed 19944400 (cited by Labcorp Genetics (formerly Invitae), Labcorp and OMIM); PubMed 19944405 (cited by Labcorp Genetics (formerly Invitae), Labcorp).

NM_178452.6(DNAAF1):c.811C>T (p.Arg271Ter)

Gene: DNAAF1 (dynein axonemal assembly factor 1; plus strand). Cytogenetic location: 16q24.1.
Variant type: single nucleotide variant.
Coding change: c.811C>T on transcript NM_178452.6 (MANE Select); coding-DNA position 811, C replaced by T.
Protein change: p.Arg271Ter; replaces arginine 271 with a stop codon.
Molecular consequence: nonsense.
Genome position (GRCh38, 1-based): chr16:84,159,744, C>T. VCF-style: chr16-84159744-C-T. GRCh37 (hg19) VCF-style: chr16-84193349-C-T.
Other names: c.55C>T, p.Arg19Ter (NM_001318756.1); short protein forms R271*, R19*.
Identifiers: ClinVar variation 264 (VCV000000264.13), dbSNP rs267607225, ClinGen allele CA339807.
Genomic context (GRCh38, chr16:84,159,744, plus strand): 5'-AATTTGATGGGAAACCCGGTTATCAGACAGATTCCTAATTACAGAAGGACAGTCACTGTA[C>T]GACTAAAGCACTTAACATACCTGGATGATAGACCAGTGTTTCCAAAGGACAGGTAAGAAG-3'